The following is an entry in ClinVar:

ClinVar aggregate classification (germline): Uncertain significance (1 of 4 stars; one submission).

Allele frequency attached by ClinVar (database versions not stated): gnomAD exomes below 0.00001; TOPMed 0.00002; gnomAD 0.00003.
gnomAD v4.1: 7 of 1,613,776 alleles (0.00043%); highest among the groups gnomAD compares: South Asian, 0.0022%; no homozygotes.

Submission:

Labcorp Genetics (formerly Invitae), Labcorp
Classification: Uncertain significance. Last evaluated: 2026-01-08. Review status: criteria provided, single submitter. Criteria: Invitae Variant Classification Sherloc (09022015). Collection method: clinical testing. Allele origin: germline.
Comment: This sequence change replaces glycine, which is neutral and non-polar, with serine, which is neutral and polar, at codon 763 of the TAOK2 protein (p.Gly763Ser). This variant is present in population databases (no rsID available, gnomAD 0.007%). This variant has not been reported in the literature in individuals affected with TAOK2-related conditions. ClinVar contains an entry for this variant (Variation ID: 2999865). An algorithm developed to predict the effect of missense changes on protein structure and function (PolyPhen-2) suggests that this variant is likely to be tolerated. In summary, the available evidence is currently insufficient to determine the role of this variant in disease. Therefore, it has been classified as a Variant of Uncertain Significance.

NM_016151.4(TAOK2):c.2287G>A (p.Gly763Ser)

Gene: TAOK2 (TAO kinase 2; plus strand). Cytogenetic location: 16p11.2.
Variant type: single nucleotide variant.
Coding change: c.2287G>A on transcript NM_016151.4 (MANE Select); coding-DNA position 2287, G replaced by A.
Protein change: p.Gly763Ser; replaces glycine 763 with serine.
Molecular consequence: missense variant. On other transcripts: intron variant (2).
Genome position (GRCh38, 1-based): chr16:29,986,559, G>A. VCF-style: chr16-29986559-G-A. GRCh37 (hg19) VCF-style: chr16-29997880-G-A.
Other names: c.2232+55G>A (NM_004783.4, NM_001252043.2); short protein forms G763S.
Identifiers: ClinVar variation 2999865 (VCV002999865.3), dbSNP rs1177683377, ClinGen allele CA395490652.
Genomic context (GRCh38, chr16:29,986,559, plus strand): 5'-CTCAAAGTACGTGCAGGCCAGCGCCCCCCGGGCCTTCCACTCCCCATTCCTGGGGCTCTG[G>A]GCCCACCCAACACAGGCACCCCTATAGAACAGCAGCCCTGCTCACCTGGCCAGGAGGCAG-3'
Protein context (NP_057235.2, residues 753-773): GLPLPIPGAL[Gly763Ser]PPNTGTPIEQ